The following is an entry in ClinVar:

NC_000009.12:g.35658023C>G

Gene: RMRP (RNA component of mitochondrial RNA processing endoribonuclease; minus strand). Cytogenetic location: 9p13.3.
Variant type: single nucleotide variant.
Genome position: GRCh38 VCF-style: chr9-35658023-C-G. GRCh37 (hg19) VCF-style: chr9-35658020-C-G.
Identifiers: ClinVar variation 380298 (VCV000380298.8), dbSNP rs7024732, ClinGen allele CA16605538.

ClinVar aggregate classification (germline): Conflicting classifications of pathogenicity. Review status: criteria provided, conflicting classifications (1 of 4 stars). 2 submissions from 2 submitters: Uncertain significance (1); Likely benign (1). Last evaluated 2025-10-03.

Conditions:
Anauxetic dysplasia. Identifiers: Orphanet 93347, MedGen C1846796, MONDO:0011773.

Submissions (2):

Labcorp Genetics (formerly Invitae), Labcorp
Classification: Uncertain significance for Anauxetic dysplasia. Last evaluated: 2025-10-03. Review status: criteria provided, single submitter. Criteria: Invitae Variant Classification Sherloc (09022015). Collection method: clinical testing. Allele origin: germline.
Comment: This variant occurs in the RMRP gene, which encodes an RNA molecule that does not result in a protein product. This variant is not present in population databases (gnomAD no frequency). This variant has not been reported in the literature in individuals affected with RMRP-related conditions. Experimental studies and prediction algorithms are not available or were not evaluated, and the functional significance of this variant is currently unknown. In summary, the available evidence is currently insufficient to determine the role of this variant in disease. Therefore, it has been classified as a Variant of Uncertain Significance.

GeneDx
Classification: Likely benign. Last evaluated: 2015-07-24. Review status: criteria provided, single submitter. Criteria: GeneDx Variant Classification (06012015). Collection method: clinical testing. Allele origin: germline. Affected: yes.
Comment: This variant is considered likely benign or benign based on one or more of the following criteria: it is a conservative change, it occurs at a poorly conserved position in the protein, it is predicted to be benign by multiple in silico algorithms, and/or has population frequency not consistent with disease.